The following is an entry in ClinVar:

NM_015450.3(POT1):c.1901T>C (p.Ile634Thr)

Gene: POT1 (protection of telomeres 1; minus strand). Cytogenetic location: 7q31.33.
Variant type: single nucleotide variant.
Coding change: c.1901T>C on transcript NM_015450.3 (MANE Select); coding-DNA position 1901, T replaced by C.
Protein change: p.Ile634Thr; replaces isoleucine 634 with threonine.
Molecular consequence: missense variant. On other transcripts: non-coding transcript variant (3).
Genome position (GRCh38, 1-based): chr7:124,823,966, A>G on the plus strand (T>C on the coding strand, the complement: POT1 is on the minus strand). VCF-style: chr7-124823966-A-G. GRCh37 (hg19) VCF-style: chr7-124464020-A-G.
Other names: c.1901T>C (NM_015450.2); c.1508T>C, p.Ile503Thr (NM_001042594.2); short protein forms I634T, I503T.
Identifiers: ClinVar variation 1425389 (VCV001425389.4), dbSNP rs2116403131, ClinGen allele CA369061051.

ClinVar aggregate classification (germline): Uncertain significance. Review status: criteria provided, multiple submitters, no conflicts (2 of 4 stars). 2 submissions from 2 submitters: Uncertain significance (2). Last evaluated 2025-07-03.

Conditions:
Hereditary cancer-predisposing syndrome. Also called: Hereditary Cancer Syndrome; Neoplastic Syndromes, Hereditary; Hereditary neoplastic syndrome; Tumor predisposition. Identifiers: Orphanet 140162, MedGen C0027672, MeSH D009386, MONDO:0015356.
Tumor predisposition syndrome 3 (TPDS3). Also called: LONG TELOMERE SYNDROME, POT1-RELATED; POT1 Tumor Predisposition; Glioma susceptibility 9; Melanoma, cutaneous malignant, susceptibility to, 10. Identifiers: Orphanet 618, MedGen C4014476, MONDO:0014368, OMIM 615848.

Submissions (2):

Ambry Genetics
Classification: Uncertain significance for Hereditary cancer-predisposing syndrome. Last evaluated: 2025-07-03. Review status: criteria provided, single submitter. Criteria: Ambry Variant Classification Scheme 2023. Collection method: clinical testing. Allele origin: germline.
Comment: The p.I634T variant (also known as c.1901T>C), located in coding exon 15 of the POT1 gene, results from a T to C substitution at nucleotide position 1901. The isoleucine at codon 634 is replaced by threonine, an amino acid with similar properties. This amino acid position is conserved. In addition, this alteration is predicted to be tolerated by in silico analysis. Based on the available evidence, the clinical significance of this variant remains unclear.

Labcorp Genetics (formerly Invitae), Labcorp
Classification: Uncertain significance for Tumor predisposition syndrome 3. Last evaluated: 2021-09-01. Review status: criteria provided, single submitter. Criteria: Invitae Variant Classification Sherloc (09022015). Collection method: clinical testing. Allele origin: germline.